The following is an entry in ClinVar:

ClinVar aggregate classification (germline): Uncertain significance (1 of 4 stars; one submission).

Allele frequency attached by ClinVar (database versions not stated): gnomAD exomes below 0.00001.
gnomAD v4.1: 1 of 1,612,694 alleles (0.000062%); highest among the groups gnomAD compares: East Asian, 0.0022%; no homozygotes.

Submission:

GeneDx
Classification: Uncertain significance. Last evaluated: 2019-07-02. Review status: criteria provided, single submitter. Criteria: GeneDx Variant Classification Process June 2021. Collection method: clinical testing. Allele origin: germline. Affected: yes.
Comment: Not observed in large population cohorts (Lek et al., 2016); In silico analysis, which includes splice predictors and evolutionary conservation, supports a deleterious effect; Has not been previously published as pathogenic or benign to our knowledge

NM_016239.4(MYO15A):c.1425C>T (p.Arg475=)

Gene: MYO15A (myosin XVA; plus strand). Cytogenetic location: 17p11.2.
Variant type: single nucleotide variant.
Coding change: c.1425C>T on transcript NM_016239.4 (MANE Select); coding-DNA position 1425, C replaced by T.
Protein change: p.Arg475=; no amino-acid change (arginine 475 retained).
Molecular consequence: synonymous variant.
Genome position (GRCh38, 1-based): chr17:18,120,225, C>T. VCF-style: chr17-18120225-C-T. GRCh37 (hg19) VCF-style: chr17-18023539-C-T.
Identifiers: ClinVar variation 1306707 (VCV001306707.2), dbSNP rs779700062, ClinGen allele CA498428292.